The following is an entry in ClinVar:

NM_012233.3(RAB3GAP1):c.1613C>T (p.Ala538Val)

Gene: RAB3GAP1 (RAB3 GTPase activating protein catalytic subunit 1; plus strand). Cytogenetic location: 2q21.3.
Variant type: single nucleotide variant.
Coding change: c.1613C>T on transcript NM_012233.3 (MANE Select); coding-DNA position 1613, C replaced by T.
Protein change: p.Ala538Val; replaces alanine 538 with valine.
Molecular consequence: missense variant.
Genome position (GRCh38, 1-based): chr2:135,135,622, C>T. VCF-style: chr2-135135622-C-T. GRCh37 (hg19) VCF-style: chr2-135893192-C-T.
Other names: c.1613C>T (NM_012233.2); c.1613C>T, p.Ala538Val (NM_001172435.2); short protein forms A538V.
Identifiers: ClinVar variation 2153943 (VCV002153943.4), dbSNP rs559230629, ClinGen allele CA1884893.

ClinVar aggregate classification (germline): Uncertain significance. Review status: criteria provided, multiple submitters, no conflicts (2 of 4 stars). 2 submissions from 2 submitters: Uncertain significance (2). Last evaluated 2025-04-21.

Conditions:
Inborn genetic diseases. Identifiers: MedGen C0950123, MeSH D030342.

Allele frequency attached by ClinVar (database versions not stated): gnomAD exomes below 0.00001; ExAC 0.00001; gnomAD 0.00003; TOPMed 0.00006; 1000 Genomes Project 30x 0.00016; 1000 Genomes Project 0.00020.
gnomAD v4.1: 10 of 1,611,660 alleles (0.00062%); highest among the groups gnomAD compares: African/African-American, 0.0094%; no homozygotes.

Submissions (2):

Labcorp Genetics (formerly Invitae), Labcorp
Classification: Uncertain significance. Last evaluated: 2025-04-21. Review status: criteria provided, single submitter. Criteria: Invitae Variant Classification Sherloc (09022015). Collection method: clinical testing. Allele origin: germline.
Comment: This sequence change replaces alanine, which is neutral and non-polar, with valine, which is neutral and non-polar, at codon 538 of the RAB3GAP1 protein (p.Ala538Val). This variant is present in population databases (rs559230629, gnomAD 0.02%). This variant has not been reported in the literature in individuals affected with RAB3GAP1-related conditions. ClinVar contains an entry for this variant (Variation ID: 2153943). Invitae Evidence Modeling of protein sequence and biophysical properties (such as structural, functional, and spatial information, amino acid conservation, physicochemical variation, residue mobility, and thermodynamic stability) indicates that this missense variant is not expected to disrupt RAB3GAP1 protein function with a negative predictive value of 80%. In summary, the available evidence is currently insufficient to determine the role of this variant in disease. Therefore, it has been classified as a Variant of Uncertain Significance.

Ambry Genetics
Classification: Uncertain significance for Inborn genetic diseases. Last evaluated: 2023-08-02. Review status: criteria provided, single submitter. Criteria: Ambry Variant Classification Scheme 2023. Collection method: clinical testing. Allele origin: germline.